The following is an entry in ClinVar:

ClinVar aggregate classification (germline): Uncertain significance (1 of 4 stars; one submission).

Conditions:
Kabuki syndrome. Also called: NIIKAWA-KUROKI SYNDROME; Kabuki make-up syndrome. Identifiers: Orphanet 2322, MedGen C0796004, MONDO:0016512.

Submission:

Labcorp Genetics (formerly Invitae), Labcorp
Classification: Uncertain significance for Kabuki syndrome. Last evaluated: 2025-01-14. Review status: criteria provided, single submitter. Criteria: Invitae Variant Classification Sherloc (09022015). Collection method: clinical testing. Allele origin: germline.
Comment: This sequence change replaces isoleucine, which is neutral and non-polar, with phenylalanine, which is neutral and non-polar, at codon 977 of the KMT2D protein (p.Ile977Phe). This variant is not present in population databases (gnomAD no frequency). This variant has not been reported in the literature in individuals affected with KMT2D-related conditions. Invitae Evidence Modeling of protein sequence and biophysical properties (such as structural, functional, and spatial information, amino acid conservation, physicochemical variation, residue mobility, and thermodynamic stability) indicates that this missense variant is not expected to disrupt KMT2D protein function with a negative predictive value of 95%. In summary, the available evidence is currently insufficient to determine the role of this variant in disease. Therefore, it has been classified as a Variant of Uncertain Significance.

NM_003482.4(KMT2D):c.2929A>T (p.Ile977Phe)

Gene: KMT2D (lysine methyltransferase 2D; minus strand). Cytogenetic location: 12q13.12.
Variant type: single nucleotide variant.
Coding change: c.2929A>T on transcript NM_003482.4 (MANE Select); coding-DNA position 2929, A replaced by T.
Protein change: p.Ile977Phe; replaces isoleucine 977 with phenylalanine.
Molecular consequence: missense variant.
Genome position (GRCh38, 1-based): chr12:49,050,659, T>A on the plus strand (A>T on the coding strand, the complement: KMT2D is on the minus strand). VCF-style: chr12-49050659-T-A. GRCh37 (hg19) VCF-style: chr12-49444442-T-A.
Other names: short protein forms I977F.
Identifiers: ClinVar variation 3686133 (VCV003686133.2).
Genomic context (GRCh38, chr12:49,050,659, plus strand): 5'-GGACAGGCTCAGGGTCAGTGCAGTTAGCTTCTGGTGGAGGGCTGATGGGTGTCTCCAGGA[T>A]GGGGGCAGCCAACGGTGACTCAGGGTCACTGTCCCCTTTGGCACCAAAGGGGTACTCTAA-3'
Protein context (NP_003473.3, residues 967-987): SDPESPLAAP[Ile977Phe]LETPISPPPE